The following is an entry in ClinVar:

ClinVar aggregate classification (germline): Pathogenic (1 of 4 stars; one submission).

Conditions:
ALG6-congenital disorder of glycosylation 1C (CDG1C). Also called: Congenital disorder of glycosylation, type Ic; CDG Ic; CARBOHYDRATE-DEFICIENT GLYCOPROTEIN SYNDROME, TYPE I, WITH DEFICIENT GLYCOSYLATION OF DOLICHOL-LINKED OLIGOSACCHARIDE; CARBOHYDRATE-DEFICIENT GLYCOPROTEIN SYNDROME, TYPE V; Congenital disorder of glycosylation type 1C. Identifiers: Orphanet 79320, MedGen C2930997, MONDO:0011291, OMIM 603147.

Allele frequency attached by ClinVar (database versions not stated): gnomAD exomes below 0.00001; ExAC 0.00001; gnomAD 0.00001; TOPMed 0.00001.

Submission:

Labcorp Genetics (formerly Invitae), Labcorp
Classification: Pathogenic for ALG6-congenital disorder of glycosylation 1C. Last evaluated: 2021-04-27. Review status: criteria provided, single submitter. Criteria: Invitae Variant Classification Sherloc (09022015). Collection method: clinical testing. Allele origin: germline.
Comment: This variant has not been reported in the literature in individuals with ALG6-related conditions. For these reasons, this variant has been classified as Pathogenic. This variant is present in population databases (rs773277552, ExAC 0.01%). This sequence change creates a premature translational stop signal (p.Gly172Alafs*17) in the ALG6 gene. It is expected to result in an absent or disrupted protein product. Loss-of-function variants in ALG6 are known to be pathogenic (PMID: 19862844).

Literature cited by the submitters: PubMed 19862844.

NM_013339.4(ALG6):c.510del (p.Gly172fs)

Gene: ALG6 (ALG6 alpha-1,3-glucosyltransferase; plus strand). Cytogenetic location: 1p31.3.
Variant type: Deletion.
Coding change: c.510del on transcript NM_013339.4 (MANE Select); coding-DNA position 510, one base deleted (T; older notation c.510delT).
Protein change: p.Gly172fs; shifts the reading frame from glycine 172.
Molecular consequence: frameshift variant.
Genome position (GRCh38, 1-based): chr1:63,411,161, T deleted. VCF-style (leftmost placement, unchanged base first): chr1-63411160-GT-G. GRCh37 (hg19) VCF-style: chr1-63876831-GT-G.
Other names: short protein forms G172fs.
Identifiers: ClinVar variation 1457700 (VCV001457700.6), dbSNP rs773277552, ClinGen allele CA888197.